The following is an entry in ClinVar:

ClinVar aggregate classification (germline): Uncertain significance (1 of 4 stars; one submission).

Allele frequency attached by ClinVar (database versions not stated): gnomAD exomes below 0.00001; TOPMed below 0.00001; ExAC 0.00001.
gnomAD v4.1: 2 of 1,571,922 alleles (0.00013%); highest among the groups gnomAD compares: Admixed American, 0.0036%; no homozygotes.

Submission:

Labcorp Genetics (formerly Invitae), Labcorp
Classification: Uncertain significance. Last evaluated: 2022-10-19. Review status: criteria provided, single submitter. Criteria: Invitae Variant Classification Sherloc (09022015). Collection method: clinical testing. Allele origin: germline.
Comment: This sequence change replaces glycine, which is neutral and non-polar, with aspartic acid, which is acidic and polar, at codon 56 of the ANLN protein (p.Gly56Asp). This variant is present in population databases (rs752908729, gnomAD 0.007%). This variant has not been reported in the literature in individuals affected with ANLN-related conditions. Algorithms developed to predict the effect of missense changes on protein structure and function (SIFT, PolyPhen-2, Align-GVGD) all suggest that this variant is likely to be tolerated. In summary, the available evidence is currently insufficient to determine the role of this variant in disease. Therefore, it has been classified as a Variant of Uncertain Significance.

NM_018685.5(ANLN):c.167G>A (p.Gly56Asp)

Gene: ANLN (anillin, actin binding protein; plus strand). Cytogenetic location: 7p14.2.
Variant type: single nucleotide variant.
Coding change: c.167G>A on transcript NM_018685.5 (MANE Select); coding-DNA position 167, G replaced by A.
Protein change: p.Gly56Asp; replaces glycine 56 with aspartic acid.
Molecular consequence: missense variant.
Genome position (GRCh38, 1-based): chr7:36,396,414, G>A. VCF-style: chr7-36396414-G-A. GRCh37 (hg19) VCF-style: chr7-36436023-G-A.
Other names: c.167G>A, p.Gly56Asp (NM_001284301.3, NM_001284302.3); short protein forms G56D.
Identifiers: ClinVar variation 1963775 (VCV001963775.5), dbSNP rs752908729, ClinGen allele CA4219275.
Genomic context (GRCh38, chr7:36,396,414, plus strand): 5'-ATGCTAAGCGAGCTAGACAGCCACTTTCAGAAGCAAGTAACCAGCAGCCCCTCTCTGGTG[G>A]TGAAGGTAAAAGACTTTGTGGGGAAAAATAACATTTACTTTTTTTTTCTTTTGAAGGAGA-3'
Protein context (NP_061155.2, residues 46-66): EASNQQPLSG[Gly56Asp]EEKSCTKPSP